The following is an entry in ClinVar:

NM_020433.5(JPH2):c.1794C>A (p.Ser598=)

Gene: JPH2 (junctophilin 2; minus strand). Cytogenetic location: 20q13.12.
Variant type: single nucleotide variant.
Coding change: c.1794C>A on transcript NM_020433.5 (MANE Select); coding-DNA position 1794, C replaced by A.
Protein change: p.Ser598=; no amino-acid change (serine 598 retained).
Molecular consequence: synonymous variant.
Genome position (GRCh38, 1-based): chr20:44,115,881, G>T on the plus strand (C>A on the coding strand, the complement: JPH2 is on the minus strand). VCF-style: chr20-44115881-G-T. GRCh37 (hg19) VCF-style: chr20-42744521-G-T.
Identifiers: ClinVar variation 264143 (VCV000264143.28), dbSNP rs369883442, ClinGen allele CA9868604.

ClinVar aggregate classification (germline): Benign/Likely benign. Review status: criteria provided, multiple submitters, no conflicts (2 of 4 stars). 12 submissions from 12 submitters: Benign (7); Likely benign (1). 4 of the submissions do not count toward it. Last evaluated 2026-09-21.

Conditions:
Hypertrophic cardiomyopathy. Also called: HYPERTROPHIC MYOCARDIOPATHY. Identifiers: Orphanet 217569, MedGen C0007194, MeSH D002312, MONDO:0005045, HP:0001639.
Hypertrophic cardiomyopathy 17. Identifiers: MedGen C3151264, MONDO:0013474, OMIM 613873.
Cardiovascular phenotype. Identifiers: MedGen CN230736.

Allele frequency attached by ClinVar (database versions not stated): gnomAD exomes 0.00018 and 0.00049; ESP Exome Variant Server 0.00159; gnomAD 0.00196 and 0.00212; 1000 Genomes Project 30x 0.00156; TOPMed 0.00200; ExAC 0.00070; 1000 Genomes Project 0.00180.
gnomAD v4.1: 573 of 1,582,326 alleles (0.036%); highest among the groups gnomAD compares: African/African-American, 0.67%; 3 homozygotes.

Submissions (12):

Molecular Diagnostic Laboratory for Inherited Cardiovascular Disease, Montreal Heart Institute
Classification: Benign. Last evaluated: 2026-09-21. Review status: criteria provided, single submitter. Criteria: ACMG Guidelines, 2015. Collection method: clinical testing. Allele origin: germline. Affected: no.

Labcorp Genetics (formerly Invitae), Labcorp
Classification: Benign for Hypertrophic cardiomyopathy. Last evaluated: 2026-01-15. Review status: criteria provided, single submitter. Criteria: Invitae Variant Classification Sherloc (09022015). Collection method: clinical testing. Allele origin: germline.

Women's Health and Genetics/Laboratory Corporation of America, LabCorp
Classification: Benign. Last evaluated: 2025-07-28. Review status: criteria provided, single submitter. Criteria: LabCorp Variant Classification Summary - May 2015. Collection method: clinical testing. Allele origin: germline.

Blueprint Genetics
Classification: Likely benign. Last evaluated: 2024-03-19. Review status: criteria provided, single submitter. Criteria: ACMG Guidelines, 2015. Collection method: clinical testing. Allele origin: germline.

Ambry Genetics
Classification: Benign for Cardiovascular phenotype. Last evaluated: 2015-06-25. Review status: criteria provided, single submitter. Criteria: Ambry Variant Classification Scheme 2023. Collection method: clinical testing. Allele origin: germline.

GeneDx
Classification: Benign. Last evaluated: 2015-04-21. Review status: criteria provided, single submitter. Criteria: GeneDx Variant Classification (06012015). Collection method: clinical testing. Allele origin: germline. Affected: yes.
Comment: This variant is considered likely benign or benign based on one or more of the following criteria: it is a conservative change, it occurs at a poorly conserved position in the protein, it is predicted to be benign by multiple in silico algorithms, and/or has population frequency not consistent with disease.

Laboratory for Molecular Medicine, Mass General Brigham Personalized Medicine
Classification: Benign. Last evaluated: 2014-11-24. Review status: criteria provided, single submitter. Criteria: LMM Criteria. Collection method: clinical testing. Allele origin: germline. Observed: 1 variant allele.
Comment: Ser598Ser in exon 4 of JPH2: This variant is not expected to have clinical signi ficance because it does not alter an amino acid residue and is not located withi n the splice consensus sequence. It has been identified in 0.5% (18/3776) of Afr ican American chromosomes from a broad population by the NHLBI Exome Sequencing Project.

Breakthrough Genomics
Classification: Benign. Review status: criteria provided, single submitter. Criteria: ACMG Guidelines, 2015. Collection method: not provided. Allele origin: germline. Inheritance: Autosomal recessive inheritance. Affected: yes.

Clinical Genetics, Academic Medical Center
Classification: Benign. Review status: no assertion criteria provided. Collection method: clinical testing. Allele origin: germline. Affected: yes. Study: VKGL Data-share Consensus. Not counted in ClinVar's aggregate classification.

Diagnostic Laboratory, Department of Genetics, University Medical Center Groningen
Classification: Likely benign for Hypertrophic cardiomyopathy 17. Review status: no assertion criteria provided. Collection method: clinical testing. Allele origin: germline. Affected: yes. Study: VKGL Data-share Consensus. Not counted in ClinVar's aggregate classification.

Genome Diagnostics Laboratory, University Medical Center Utrecht
Classification: Likely benign. Review status: no assertion criteria provided. Collection method: clinical testing. Allele origin: germline. Affected: yes. Study: VKGL Data-share Consensus. Not counted in ClinVar's aggregate classification.

Joint Genome Diagnostic Labs from Nijmegen and Maastricht, Radboudumc and MUMC+
Classification: Likely benign. Review status: no assertion criteria provided. Collection method: clinical testing. Allele origin: germline. Affected: yes. Study: VKGL Data-share Consensus. Not counted in ClinVar's aggregate classification.